The following is an entry in ClinVar:

ClinVar aggregate classification (germline): Uncertain significance (1 of 4 stars; one submission).

Allele frequency attached by ClinVar (database versions not stated): gnomAD 0.00001; gnomAD exomes 0.00002.
gnomAD v4.1: 29 of 1,614,136 alleles (0.0018%); highest among the groups gnomAD compares: Non-Finnish European, 0.0024%; no homozygotes.

Submission:

Labcorp Genetics (formerly Invitae), Labcorp
Classification: Uncertain significance. Last evaluated: 2021-03-27. Review status: criteria provided, single submitter. Criteria: Invitae Variant Classification Sherloc (09022015). Collection method: clinical testing. Allele origin: germline.
Comment: In summary, the available evidence is currently insufficient to determine the role of this variant in disease. Therefore, it has been classified as a Variant of Uncertain Significance. Algorithms developed to predict the effect of missense changes on protein structure and function are either unavailable or do not agree on the potential impact of this missense change (SIFT: "Deleterious"; PolyPhen-2: "Benign"; Align-GVGD: "Class C15"). This variant has not been reported in the literature in individuals with NUP214-related conditions. This variant is not present in population databases (ExAC no frequency). This sequence change replaces threonine with isoleucine at codon 1681 of the NUP214 protein (p.Thr1681Ile). The threonine residue is highly conserved and there is a moderate physicochemical difference between threonine and isoleucine.

NM_005085.4(NUP214):c.5042C>T (p.Thr1681Ile)

Gene: NUP214 (nucleoporin 214; plus strand). Cytogenetic location: 9q34.13.
Variant type: single nucleotide variant.
Coding change: c.5042C>T on transcript NM_005085.4 (MANE Select); coding-DNA position 5042, C replaced by T.
Protein change: p.Thr1681Ile; replaces threonine 1681 with isoleucine.
Molecular consequence: missense variant.
Genome position (GRCh38, 1-based): chr9:131,198,536, C>T. VCF-style: chr9-131198536-C-T. GRCh37 (hg19) VCF-style: chr9-134073923-C-T.
Other names: c.5012C>T, p.Thr1671Ile (NM_001318324.2); c.1520C>T, p.Thr507Ile (NM_001318325.2); short protein forms T507I, T1671I, T1681I.
Identifiers: ClinVar variation 1443356 (VCV001443356.6), dbSNP rs1465685669, ClinGen allele CA375282011.